The following is an entry in ClinVar:

NM_206933.4(USH2A):c.7506del (p.Tyr2503fs)

Gene: USH2A (usherin; minus strand). Cytogenetic location: 1q41.
Variant type: Deletion.
Coding change: c.7506del on transcript NM_206933.4 (MANE Select); coding-DNA position 7506, one base deleted (G; older notation c.7506delG).
Protein change: p.Tyr2503fs; shifts the reading frame from tyrosine 2503.
Molecular consequence: frameshift variant.
Genome position (GRCh38, 1-based): chr1:215,900,163, C deleted on the plus strand (G on the coding strand, the reverse complement: USH2A is on the minus strand). VCF-style (leftmost placement, unchanged base first): chr1-215900162-AC-A. GRCh37 (hg19) VCF-style: chr1-216073504-AC-A.
Other names: short protein forms Y2503fs.
Identifiers: ClinVar variation 3775657 (VCV003775657.1).
Genomic context (GRCh38, chr1:215,900,162, plus strand): 5'-AAGAACTATGTGCACTGCCAAATCCATTGGAGGCAACCAACCGAAACATATACTCTGTGT[AC>A]GGTTGGAGATCACTCACTTCATAGCTTAACGATGCAGAAGGATTGGAAAATAACCTGTAT-3'

ClinVar aggregate classification (germline): Likely pathogenic (1 of 4 stars; one submission).

Conditions:
Usher syndrome type 2A. Also called: RETINAL DISEASE IN USHER SYNDROME TYPE IIA, MODIFIER OF; USHER SYNDROME, TYPE IIA. Identifiers: Orphanet 231178, Orphanet 886, MedGen C1848634, MONDO:0010169, OMIM 276901.

Submission:

3billion
Classification: Likely pathogenic for Usher syndrome type 2A. Last evaluated: 2023-07-03. Review status: criteria provided, single submitter. Criteria: ACMG Guidelines, 2015. Collection method: clinical testing. Allele origin: germline. Affected: yes.
Comment: The variant is not observed in the gnomAD v2.1.1 dataset. Predicted Consequence/Location: Frameshift: predicted to result in a loss or disruption of normal protein function through nonsense-mediated decay (NMD) or protein truncation. Multiple pathogenic variants are reported downstream of the variant. Therefore, this variant is classified as Likely pathogenic according to the recommendation of ACMG/AMP guideline.